The following is an entry in ClinVar:

ClinVar aggregate classification (germline): Uncertain significance. Review status: criteria provided, single submitter (1 of 4 stars). 2 submissions from 2 submitters: Uncertain significance (1). 1 of the submissions does not count toward it. Last evaluated 2026-09-08.
ClinVar aggregate classification (somatic clinical impact): Tier I - Strong (1 of 4 stars; one submission).
ClinVar aggregate classification (oncogenicity): Likely oncogenic (1 of 4 stars; one submission).

Conditions:
Ovarian neoplasm. Also called: Neoplasm of ovary; Ovarian tumor; Ovarian Neoplasms. Identifiers: MedGen C0919267, MeSH D010051, MONDO:0021068, HP:0100615.
PIK3CA-related disorder. Also called: PIK3CA-related disorders; PIK3CA-related condition; PIK3CA- related disease.
Diffuse midline glioma, H3 K27M-mutant. Identifiers: MedGen C4289688, MONDO:0957196.
Neoplasm. Also called: Neoplasms; Neoplasm (disease); tumor. Identifiers: MedGen C0027651, MeSH D009369, MONDO:0005070, HP:0002664.

Submissions (4):

Suma Genomics
Classification: Uncertain significance for PIK3CA- related disease. Last evaluated: 2026-09-08. Review status: criteria provided, single submitter. Criteria: ACMG Guidelines, 2015. Collection method: clinical testing. Allele origin: germline. Inheritance: Autosomal dominant inheritance. Affected: yes. Observed: 1 variant allele, 1 heterozygote.
Comment: This variant is not observed in the gnomAD database. In-silico analysis tool REVEL is consistent in predicting this variant to be disease-causing. ACMG classification: Variant of uncertain significance Criteria met: PM1_Suppoting: Non-truncating non-synonymous variant is located in a mutational hot spot and/or critical and well-established functional domain PM2_Supporting: Extremely low frequency in gnomAD population databases PM5: Different amino acid change as a known pathogenic variant

Center for Genomic Medicine, Rigshospitalet, Copenhagen University Hospital
Classification: Likely oncogenic for Neoplasm. Last evaluated: 2025-03-04. Review status: criteria provided, single submitter. Criteria: ClinGen/CGC/VICC Guidelines for Oncogenicity, 2022. Collection method: clinical testing. Allele origin: somatic. Affected: yes.

Institute for Genomic Medicine (IGM) Clinical Laboratory, Nationwide Children's Hospital
Classification: Tier I - Strong for Diffuse midline glioma, H3 K27M-mutant. Assertion type: diagnostic. Clinical significance: supports diagnosis. Last evaluated: 2023-04-26. Review status: criteria provided, single submitter. Criteria: AMP/ASCO/CAP Guidelines, 2017. Collection method: clinical testing. Allele origin: somatic. Affected: yes.
Comment: Variant has Tier I (strong) clinical significance as a diagnostic inclusion criterion in diffuse midline glioma, H3 K27M-mutant, based on the following evidence: 1) Documented in one or more cancer databases (e.g., St. Jude Pecan, COSMIC, CIViC, OncoKB). 2) Appears in one or more well-established professional guidelines (e.g., World Health Organization [WHO]; National Comprehensive Cancer Network [NCCN]) as providing diagnostic, prognostic, or therapeutic information. 3) Information in the literature supports potential biologic effect of variant (PMID: 29533785). 4) Diagnostic for a specific tumor type/classification based on well-powered studies with expert-level consensus (Evidence Level B; PMIDs: 28966033, 24705251, 29763623, 28912153, 25219808).

German Consortium for Hereditary Breast and Ovarian Cancer, University Hospital Cologne
Classification: Likely pathogenic for Ovarian neoplasm. Last evaluated: 2018-12-01. Review status: no assertion criteria provided. Collection method: research. Allele origin: somatic. Affected: yes. Not counted in ClinVar's aggregate classification.

Literature cited by the submitters: PubMed 21266528 (cited by Center for Genomic Medicine, Rigshospitalet, Copenhagen University Hospital); PubMed 29533785 (cited by Center for Genomic Medicine, Rigshospitalet, Copenhagen University Hospital and Institute for Genomic Medicine (IGM) Clinical Laboratory, Nationwide Children's Hospital); PubMed 34779417 (cited by Center for Genomic Medicine, Rigshospitalet, Copenhagen University Hospital); PubMed 28966033 (cited by Institute for Genomic Medicine (IGM) Clinical Laboratory, Nationwide Children's Hospital); PubMed 24705251 (cited by Institute for Genomic Medicine (IGM) Clinical Laboratory, Nationwide Children's Hospital); PubMed 29763623 (cited by Institute for Genomic Medicine (IGM) Clinical Laboratory, Nationwide Children's Hospital); PubMed 28912153 (cited by Institute for Genomic Medicine (IGM) Clinical Laboratory, Nationwide Children's Hospital); PubMed 25219808 (cited by Institute for Genomic Medicine (IGM) Clinical Laboratory, Nationwide Children's Hospital).

NM_006218.4(PIK3CA):c.1031T>G (p.Val344Gly)

Gene: PIK3CA (phosphatidylinositol-4,5-bisphosphate 3-kinase catalytic subunit alpha; plus strand). Cytogenetic location: 3q26.32.
Variant type: single nucleotide variant.
Coding change: c.1031T>G on transcript NM_006218.4 (MANE Select); coding-DNA position 1031, T replaced by G.
Protein change: p.Val344Gly; replaces valine 344 with glycine.
Molecular consequence: missense variant.
Genome position (GRCh38, 1-based): chr3:179,203,761, T>G. VCF-style: chr3-179203761-T-G. GRCh37 (hg19) VCF-style: chr3-178921549-T-G.
Other names: short protein forms V344G.
Identifiers: ClinVar variation 376497 (VCV000376497.6), dbSNP rs1057519941, ClinGen allele CA16602929.